The following is an entry in ClinVar:

NM_002334.4(LRP4):c.4400A>G (p.Asn1467Ser)

Genes: LRP4 (LDL receptor related protein 4; minus strand), LRP4-AS1 (LRP4 antisense RNA 1; plus strand). Cytogenetic location: 11p11.2.
Variant type: single nucleotide variant.
Coding change: c.4400A>G on transcript NM_002334.4 (MANE Select); coding-DNA position 4400, A replaced by G.
Protein change: p.Asn1467Ser; replaces asparagine 1467 with serine.
Molecular consequence: missense variant. On other transcripts: non-coding transcript variant (1).
Genome position (GRCh38, 1-based): chr11:46,873,423, T>C on the plus strand (A>G on the coding strand, the complement: LRP4 is on the minus strand). VCF-style: chr11-46873423-T-C. GRCh37 (hg19) VCF-style: chr11-46894974-T-C.
Other names: short protein forms N1467S.
Identifiers: ClinVar variation 304859 (VCV000304859.11), dbSNP rs886048349, ClinGen allele CA10638692.

ClinVar aggregate classification (germline): Uncertain significance. Review status: criteria provided, multiple submitters, no conflicts (2 of 4 stars). 4 submissions from 4 submitters: Uncertain significance (4). Last evaluated 2025-02-14.

Conditions:
Inborn genetic diseases. Identifiers: MedGen C0950123, MeSH D030342.
Cenani-Lenz syndactyly syndrome. Also called: CENANI SYNDACTYLISM; SYNDACTYLY, TYPE VII. Identifiers: Orphanet 3258, MedGen C1859309, MONDO:0008931, OMIM 212780.
Sclerosteosis 2 (SOST2). Identifiers: Orphanet 3152, MedGen C3280402, MONDO:0013679, OMIM 614305.
Congenital myasthenic syndrome 17. Identifiers: Orphanet 590, MedGen C4225377, MONDO:0014578, OMIM 616304.

Allele frequency attached by ClinVar (database versions not stated): gnomAD exomes below 0.00001.
gnomAD v4.1: 5 of 1,614,220 alleles (0.00031%); highest among the groups gnomAD compares: Admixed American, 0.0033%; no homozygotes.

Submissions (4):

Ambry Genetics
Classification: Uncertain significance for Inborn genetic diseases. Last evaluated: 2025-02-14. Review status: criteria provided, single submitter. Criteria: Ambry Variant Classification Scheme 2023. Collection method: clinical testing. Allele origin: germline.

Fulgent Genetics
Classification: Uncertain significance for Cenani-Lenz syndactyly syndrome; Sclerosteosis 2; Congenital myasthenic syndrome 17. Last evaluated: 2024-05-09. Review status: criteria provided, single submitter. Criteria: ACMG Guidelines, 2015. Collection method: clinical testing. Allele origin: germline.

Labcorp Genetics (formerly Invitae), Labcorp
Classification: Uncertain significance for Cenani-Lenz syndactyly syndrome; Sclerosteosis 2; Congenital myasthenic syndrome 17. Last evaluated: 2022-07-15. Review status: criteria provided, single submitter. Criteria: Invitae Variant Classification Sherloc (09022015). Collection method: clinical testing. Allele origin: germline.
Comment: This sequence change replaces asparagine, which is neutral and polar, with serine, which is neutral and polar, at codon 1467 of the LRP4 protein (p.Asn1467Ser). This variant is present in population databases (no rsID available, gnomAD 0.003%). This variant has not been reported in the literature in individuals affected with LRP4-related conditions. ClinVar contains an entry for this variant (Variation ID: 304859). Algorithms developed to predict the effect of missense changes on protein structure and function are either unavailable or do not agree on the potential impact of this missense change (SIFT: "Deleterious"; PolyPhen-2: "Benign"; Align-GVGD: "Class C45"). In summary, the available evidence is currently insufficient to determine the role of this variant in disease. Therefore, it has been classified as a Variant of Uncertain Significance.

Illumina Laboratory Services, Illumina
Classification: Uncertain significance for Cenani-Lenz syndactyly syndrome. Last evaluated: 2018-01-13. Review status: criteria provided, single submitter. Criteria: ICSL Variant Classification Criteria 13 December 2019. Collection method: clinical testing. Allele origin: germline.